The following is an entry in ClinVar:

ClinVar aggregate classification (germline): Benign (1 of 4 stars; one submission).

Allele frequency attached by ClinVar (database versions not stated): gnomAD 0.03426 and 0.03673; TOPMed 0.03863; 1000 Genomes Project 0.03974; 1000 Genomes Project 30x 0.04294.
gnomAD v4.1: 5,171 of 152,272 alleles (3.4%); highest among the groups gnomAD compares: African/African-American, 11%; 274 homozygotes.

Submission:

GeneDx
Classification: Benign. Last evaluated: 2018-06-16. Review status: criteria provided, single submitter. Criteria: GeneDx Variant Classification (06012015). Collection method: clinical testing. Allele origin: germline. Affected: yes.
Comment: This variant is considered likely benign or benign based on one or more of the following criteria: it is a conservative change, it occurs at a poorly conserved position in the protein, it is predicted to be benign by multiple in silico algorithms, and/or has population frequency not consistent with disease.

NM_002230.4(JUP):c.2046+180C>T

Gene: JUP (junction plakoglobin; minus strand). Cytogenetic location: 17q21.2.
Variant type: single nucleotide variant.
Coding change: c.2046+180C>T on transcript NM_002230.4 (MANE Select); 180 bases into the intron after coding-DNA position 2046, C replaced by T.
Molecular consequence: intron variant.
Genome position (GRCh38, 1-based): chr17:41,757,235, G>A on the plus strand (C>T on the coding strand, the complement: JUP is on the minus strand). VCF-style: chr17-41757235-G-A. GRCh37 (hg19) VCF-style: chr17-39913487-G-A.
Other names: c.2046+180C>T (NM_001352774.2, NM_021991.4, NM_001352776.2 and 3 more transcripts).
Identifiers: ClinVar variation 673818 (VCV000673818.1), dbSNP rs9890521, ClinGen allele CA290695379.